The following is an entry in ClinVar:

NM_003079.5(SMARCE1):c.1064A>G (p.Gln355Arg)

Gene: SMARCE1 (SWI/SNF related BAF chromatin remodeling complex subunit E1; minus strand). Cytogenetic location: 17q21.2.
Variant type: single nucleotide variant.
Coding change: c.1064A>G on transcript NM_003079.5 (MANE Select); coding-DNA position 1064, A replaced by G.
Protein change: p.Gln355Arg; replaces glutamine 355 with arginine.
Molecular consequence: missense variant.
Genome position (GRCh38, 1-based): chr17:40,628,957, T>C on the plus strand (A>G on the coding strand, the complement: SMARCE1 is on the minus strand). VCF-style: chr17-40628957-T-C. GRCh37 (hg19) VCF-style: chr17-38785209-T-C.
Other names: short protein forms Q355R.
Identifiers: ClinVar variation 573473 (VCV000573473.7), dbSNP rs1567844710, ClinGen allele CA399361622.

ClinVar aggregate classification (germline): Uncertain significance. Review status: criteria provided, multiple submitters, no conflicts (2 of 4 stars). 2 submissions from 2 submitters: Uncertain significance (2). Last evaluated 2025-10-14.

Conditions:
Hereditary cancer-predisposing syndrome. Also called: Neoplastic Syndromes, Hereditary; Hereditary Cancer Syndrome; Tumor predisposition; Hereditary neoplastic syndrome. Identifiers: Orphanet 140162, MedGen C0027672, MeSH D009386, MONDO:0015356.
Familial meningioma. Also called: Meningioma, familial, susceptibility to. Identifiers: Orphanet 263662, MedGen C3551915, MONDO:0011789, OMIM 607174.

Submissions (2):

Ambry Genetics
Classification: Uncertain significance for Hereditary cancer-predisposing syndrome. Last evaluated: 2025-10-14. Review status: criteria provided, single submitter. Criteria: Ambry Variant Classification Scheme 2023. Collection method: clinical testing. Allele origin: germline.
Comment: The p.Q355R variant (also known as c.1064A>G), located in coding exon 10 of the SMARCE1 gene, results from an A to G substitution at nucleotide position 1064. The glutamine at codon 355 is replaced by arginine, an amino acid with highly similar properties. This amino acid position is conserved. In addition, this alteration is predicted to be tolerated by in silico analysis. Based on the available evidence, the clinical significance of this variant remains unclear.

Labcorp Genetics (formerly Invitae), Labcorp
Classification: Uncertain significance for Familial meningioma. Last evaluated: 2021-10-25. Review status: criteria provided, single submitter. Criteria: Invitae Variant Classification Sherloc (09022015). Collection method: clinical testing. Allele origin: germline.
Comment: This sequence change replaces glutamine with arginine at codon 355 of the SMARCE1 protein (p.Gln355Arg). The glutamine residue is highly conserved and there is a small physicochemical difference between glutamine and arginine. This variant is not present in population databases (ExAC no frequency). This variant has not been reported in the literature in individuals affected with SMARCE1-related conditions. Algorithms developed to predict the effect of missense changes on protein structure and function (SIFT, PolyPhen-2, Align-GVGD) all suggest that this variant is likely to be tolerated. In summary, the available evidence is currently insufficient to determine the role of this variant in disease. Therefore, it has been classified as a Variant of Uncertain Significance.